The following is an entry in ClinVar:

ClinVar aggregate classification (germline): Uncertain significance. Review status: criteria provided, multiple submitters, no conflicts (2 of 4 stars). 4 submissions from 4 submitters: Uncertain significance (4). Last evaluated 2025-10-03.

Conditions:
Epidermolysis bullosa simplex 5B, with muscular dystrophy (EBS5B). Also called: Epidermolysis bullosa simplex with muscular dystrophy; EPIDERMOLYSIS BULLOSA SIMPLEX AND LIMB-GIRDLE MUSCULAR DYSTROPHY. Identifiers: Orphanet 257, MedGen C2931072, MONDO:0009181, OMIM 226670.
Epidermolysis bullosa simplex, Ogna type (EBS5A). Also called: Pidermolysis bullosa simplex 5A, Ogna type; EPIDERMOLYSIS BULLOSA SIMPLEX 5A, OGNA TYPE. Identifiers: Orphanet 79401, MedGen C0432317, MONDO:0007555, OMIM 131950.
Epidermolysis bullosa simplex with nail dystrophy (EBS5D). Identifiers: MedGen C4225309, MONDO:0014661, OMIM 616487.
Autosomal recessive limb-girdle muscular dystrophy type 2Q (LGMDR17). Also called: MUSCULAR DYSTROPHY, LIMB-GIRDLE, AUTOSOMAL RECESSIVE 17. Identifiers: Orphanet 254361, MedGen C3150989, MONDO:0013390, OMIM 613723.
Epidermolysis bullosa simplex 5C, with pyloric atresia (EBS5C). Also called: PLEC-Related Epidermolysis Bullosa with Pyloric Atresia; Epidermolysis bullosa simplex with pyloric atresia; PLEC1-Related Epidermolysis Bullosa with Pyloric Atresia. Identifiers: Orphanet 158684, MedGen C2677349, MONDO:0012807, OMIM 612138.

Allele frequency attached by ClinVar (database versions not stated): gnomAD exomes 0.00002 and 0.00010; gnomAD 0.00003 and 0.00004; TOPMed 0.00009; ExAC 0.00011.
gnomAD v4.1: 33 of 1,610,162 alleles (0.002%); highest among the groups gnomAD compares: Admixed American, 0.04%; no homozygotes.

Submissions (4):

Labcorp Genetics (formerly Invitae), Labcorp
Classification: Uncertain significance for Autosomal recessive limb-girdle muscular dystrophy type 2Q; Epidermolysis bullosa simplex, Ogna type; Epidermolysis bullosa simplex with nail dystrophy; Epidermolysis bullosa simplex 5C, with pyloric atresia; Epidermolysis bullosa simplex 5B, with muscular dystrophy. Last evaluated: 2025-10-03. Review status: criteria provided, single submitter. Criteria: Invitae Variant Classification Sherloc (09022015). Collection method: clinical testing. Allele origin: germline.
Comment: This sequence change replaces aspartic acid, which is acidic and polar, with asparagine, which is neutral and polar, at codon 3786 of the PLEC protein (p.Asp3786Asn). This variant is present in population databases (rs781916673, gnomAD 0.05%). This variant has not been reported in the literature in individuals affected with PLEC-related conditions. ClinVar contains an entry for this variant (Variation ID: 595747). An algorithm developed to predict the effect of missense changes on protein structure and function (PolyPhen-2) suggests that this variant is likely to be disruptive. In summary, the available evidence is currently insufficient to determine the role of this variant in disease. Therefore, it has been classified as a Variant of Uncertain Significance.

Revvity Omics, Revvity
Classification: Uncertain significance. Last evaluated: 2022-06-13. Review status: criteria provided, single submitter. Criteria: ACMG Guidelines, 2015. Collection method: clinical testing. Allele origin: germline.

GeneDx
Classification: Uncertain significance. Last evaluated: 2022-05-26. Review status: criteria provided, single submitter. Criteria: GeneDx Variant Classification Process June 2021. Collection method: clinical testing. Allele origin: germline. Affected: yes.
Comment: In silico analysis supports that this missense variant has a deleterious effect on protein structure/function; Missense variant in a gene in which most reported pathogenic variants are truncating/loss of function; Has not been previously published as pathogenic or benign to our knowledge

Eurofins Ntd Llc (ga)
Classification: Uncertain significance. Last evaluated: 2018-01-12. Review status: criteria provided, single submitter. Criteria: EGL Classification Definitions 2015. Collection method: clinical testing. Allele origin: germline. Observed: 1 variant allele, 1 heterozygote.

NM_201384.3(PLEC):c.11275G>A (p.Asp3759Asn)

Gene: PLEC (plectin; minus strand). Cytogenetic location: 8q24.3.
Variant type: single nucleotide variant.
Coding change: c.11275G>A on transcript NM_201384.3 (MANE Select); coding-DNA position 11275, G replaced by A.
Protein change: p.Asp3759Asn; replaces aspartic acid 3759 with asparagine.
Molecular consequence: missense variant.
Genome position (GRCh38, 1-based): chr8:143,918,546, C>T on the plus strand (G>A on the coding strand, the complement: PLEC is on the minus strand). VCF-style: chr8-143918546-C-T. GRCh37 (hg19) VCF-style: chr8-144992714-C-T.
Other names: c.11356G>A, p.Asp3786Asn (NM_000445.5); c.11233G>A, p.Asp3745Asn (NM_201378.4); c.11209G>A, p.Asp3737Asn (NM_201379.3); c.11686G>A, p.Asp3896Asn (NM_201380.4); c.11179G>A, p.Asp3727Asn (NM_201381.3); c.11275G>A, p.Asp3759Asn (NM_201382.4); c.11287G>A, p.Asp3763Asn (NM_201383.3); short protein forms D3786N, D3737N, D3759N, D3745N, D3763N, D3896N, D3727N.
Identifiers: ClinVar variation 595747 (VCV000595747.17), dbSNP rs781916673, ClinGen allele CA4924393.